The following is an entry in ClinVar:

ClinVar aggregate classification (germline): Uncertain significance (1 of 4 stars; one submission).

Conditions:
POLD1-related polyposis and colorectal cancer syndrome (CRCS10). Also called: Colorectal cancer 10; COLORECTAL CANCER, SUSCEPTIBILITY TO, ON CHROMOSOME 19q; Colorectal cancer, susceptibility to, 10. Identifiers: Orphanet 220460, MedGen C2675481, MONDO:0012953, OMIM 612591.

Submission:

Labcorp Genetics (formerly Invitae), Labcorp
Classification: Uncertain significance for POLD1-related polyposis and colorectal cancer syndrome. Last evaluated: 2023-04-15. Review status: criteria provided, single submitter. Criteria: Invitae Variant Classification Sherloc (09022015). Collection method: clinical testing. Allele origin: germline.
Comment: In summary, the available evidence is currently insufficient to determine the role of this variant in disease. Therefore, it has been classified as a Variant of Uncertain Significance. Algorithms developed to predict the effect of sequence changes on RNA splicing suggest that this variant may create or strengthen a splice site. This variant has not been reported in the literature in individuals affected with POLD1-related conditions. This variant is not present in population databases (gnomAD no frequency). This sequence change creates a premature translational stop signal (p.Asp635Ilefs*13) in the POLD1 gene. It is expected to result in an absent or disrupted protein product. However, the current clinical and genetic evidence is not sufficient to establish whether loss-of-function variants in POLD1 cause disease.

NM_002691.4(POLD1):c.1903del (p.Asp635fs)

Gene: POLD1 (DNA polymerase delta 1, catalytic subunit; plus strand). Cytogenetic location: 19q13.33.
Variant type: Deletion.
Coding change: c.1903del on transcript NM_002691.4 (MANE Select); coding-DNA position 1903, one base deleted (G; older notation c.1903delG).
Protein change: p.Asp635fs; shifts the reading frame from aspartic acid 635.
Molecular consequence: frameshift variant. On other transcripts: non-coding transcript variant (1).
Genome position (GRCh38, 1-based): chr19:50,409,132, G deleted; the last of 2 consecutive G bases (chr19:50,409,131-50,409,132); deleting either gives the same sequence. VCF-style (leftmost placement, unchanged base first): chr19-50409130-AG-A. GRCh37 (hg19) VCF-style: chr19-50912387-AG-A.
Other names: c.1903del, p.Asp635fs (NM_001256849.1); c.1981del, p.Asp661fs (NM_001308632.1); short protein forms D635fs, D661fs.
Identifiers: ClinVar variation 2856696 (VCV002856696.3), dbSNP rs2514014894, ClinGen allele CA2586570606.